The following is an entry in ClinVar:

ClinVar aggregate classification (germline): Pathogenic. Review status: criteria provided, single submitter (1 of 4 stars). 2 submissions from 2 submitters: Pathogenic (1). 1 of the submissions does not count toward it. Last evaluated 2025-01-06.

Conditions:
Familial cancer of breast. Also called: BREAST CANCER, FAMILIAL; Hereditary breast cancer; hereditary breast carcinoma. Identifiers: Orphanet 227535, MedGen C0346153, MONDO:0016419, OMIM 114480. Disease mechanism: loss of function.

Allele frequency attached by ClinVar (database versions not stated): 1000 Genomes Project 30x 0.00016; 1000 Genomes Project 0.00020; TOPMed 0.00003; gnomAD 0.00005.
gnomAD v4.1: 8 of 152,260 alleles (0.0053%); highest among the groups gnomAD compares: Non-Finnish European, 0.0088%; no homozygotes.

Submissions (2):

Labcorp Genetics (formerly Invitae), Labcorp
Classification: Pathogenic for Familial cancer of breast. Last evaluated: 2025-01-06. Review status: criteria provided, single submitter. Criteria: Invitae Variant Classification Sherloc (09022015). Collection method: clinical testing. Allele origin: germline.
Comment: This sequence change falls in intron 13 of the CHEK2 gene. It does not directly change the encoded amino acid sequence of the CHEK2 protein. RNA analysis indicates that this variant induces altered splicing and may result in an absent or altered protein product. This variant is not present in population databases (gnomAD no frequency). This variant has not been reported in the literature in individuals affected with CHEK2-related conditions. ClinVar contains an entry for this variant (Variation ID: 2035246). Studies have shown that this variant results in inclusion of a cryptic exon, and produces a non-functional protein and/or introduces a premature termination codon (internal data). For these reasons, this variant has been classified as Pathogenic.

Diagnostics Centre, Carl Von Ossietzky University Oldenburg
Classification: Uncertain significance for Familial cancer of breast. Last evaluated: 2025-08-05. Review status: no assertion criteria provided. Collection method: clinical testing. Allele origin: germline. Affected: yes. Observed: 1 variant allele. Not counted in ClinVar's aggregate classification.
Comment: The variant CHEK2:c.1461+2301G>T p.(?) is located in the intron 13 of the CHEK2 gene at nucleotide position c.1461+2301. The change is suggested to create a cryptic splice site, which alters the splicing pattern. In silico tools predict that the variant will affect splicing (SpliceAI = 0.57). The variant has been classified as Pathogenic in one entry in ClinVar (VCV002035246.4). The variant is classified as rare in the general population (MAF 5.25 * e-5 in gnomAD). In summary, the variant is classified as a variant of uncertain significance.

NM_007194.4(CHEK2):c.1461+2301G>T

Gene: CHEK2 (checkpoint kinase 2; minus strand). Cytogenetic location: 22q12.1.
Variant type: single nucleotide variant.
Coding change: c.1461+2301G>T on transcript NM_007194.4 (MANE Select); 2301 bases into the intron after coding-DNA position 1461, G replaced by T.
Molecular consequence: intron variant.
Genome position (GRCh38, 1-based): chr22:28,691,731, C>A on the plus strand (G>T on the coding strand, the complement: CHEK2 is on the minus strand). VCF-style: chr22-28691731-C-A. GRCh37 (hg19) VCF-style: chr22-29087719-C-A.
Other names: c.798+2301G>T (NM_001437942.1, NM_001257387.3); c.1260+2301G>T (NM_001349956.3); c.1374+2301G>T (NM_145862.3); c.1467+2301G>T (NM_001438295.1); c.1554+2301G>T (NM_001438293.1); c.1503+2301G>T (NM_001438294.1); c.1590+2301G>T (NM_001005735.3).
Identifiers: ClinVar variation 2035246 (VCV002035246.5), dbSNP rs537445902, ClinGen allele CA323001503.